The following is an entry in ClinVar:

ClinVar aggregate classification (germline): Pathogenic (1 of 4 stars; one submission).

Conditions:
Developmental and epileptic encephalopathy, 12 (DEE12). Identifiers: MedGen C3150988, MONDO:0013389, OMIM 613722.

gnomAD v4.1: 1 of 1,614,078 alleles (0.000062%); highest among the groups gnomAD compares: Non-Finnish European, 0.000085%; no homozygotes.

Submission:

Labcorp Genetics (formerly Invitae), Labcorp
Classification: Pathogenic for Developmental and epileptic encephalopathy, 12. Last evaluated: 2025-06-19. Review status: criteria provided, single submitter. Criteria: Invitae Variant Classification Sherloc (09022015). Collection method: clinical testing. Allele origin: germline.
Comment: This sequence change affects a donor splice site in intron 16 of the PNKP gene. While this variant is not anticipated to result in nonsense mediated decay, it likely alters RNA splicing and results in a disrupted protein product. This variant is not present in population databases (gnomAD no frequency). This variant has not been reported in the literature in individuals affected with PNKP-related conditions. Variants that disrupt the consensus splice site are a relatively common cause of aberrant splicing (PMID: 17576681, 9536098). Algorithms developed to predict the effect of sequence changes on RNA splicing suggest that this variant may disrupt the consensus splice site. This variant disrupts a region of the PNKP protein in which other variant(s) (p.Gln517*) have been determined to be pathogenic (PMID: 30039206). This suggests that this is a clinically significant region of the protein, and that variants that disrupt it are likely to be disease-causing. For these reasons, this variant has been classified as Pathogenic.

Literature cited by the submitters: PubMed 17576681; PubMed 9536098; PubMed 30039206.

NM_007254.4(PNKP):c.1448+1G>C

Gene: PNKP (polynucleotide kinase 3'-phosphatase; minus strand). Cytogenetic location: 19q13.33.
Variant type: single nucleotide variant.
Coding change: c.1448+1G>C on transcript NM_007254.4 (MANE Select); the canonical splice donor site of the intron after coding-DNA position 1448, G replaced by C.
Molecular consequence: splice donor variant.
Genome position (GRCh38, 1-based): chr19:49,861,448, C>G on the plus strand (G>C on the coding strand, the complement: PNKP is on the minus strand). VCF-style: chr19-49861448-C-G. GRCh37 (hg19) VCF-style: chr19-50364705-C-G.
Identifiers: ClinVar variation 4743580 (VCV004743580.1).
Genomic context (GRCh38, chr19:49,861,448, plus strand): 5'-GGGACAGCCTGGATCATGTGGCCCAGCCAGTGCCCCTGCCCCCTGCTATCCCCAACAGTA[C>G]CTGTAGCCATACATGACCATGTCTGACACGGGGATATGAGAGGAGTCCGTCATCTCTCGA-3'